The following is an entry in ClinVar:

ClinVar aggregate classification (germline): Uncertain significance (1 of 4 stars; one submission).

Conditions:
Early-infantile DEE. Also called: Early infantile epileptic encephalopathy; Ohtahara syndrome; Early infantile epileptic encephalopathy with suppression bursts. Identifiers: Orphanet 1934, MedGen C0393706, MONDO:0800491.

Submission:

Labcorp Genetics (formerly Invitae), Labcorp
Classification: Uncertain significance for Early-infantile DEE. Last evaluated: 2022-02-02. Review status: criteria provided, single submitter. Criteria: Invitae Variant Classification Sherloc (09022015). Collection method: clinical testing. Allele origin: germline.
Comment: This sequence change replaces isoleucine, which is neutral and non-polar, with threonine, which is neutral and polar, at codon 131 of the KCNQ2 protein (p.Ile131Thr). In summary, the available evidence is currently insufficient to determine the role of this variant in disease. Therefore, it has been classified as a Variant of Uncertain Significance. Algorithms developed to predict the effect of missense changes on protein structure and function (SIFT, PolyPhen-2, Align-GVGD) all suggest that this variant is likely to be disruptive. This variant has not been reported in the literature in individuals affected with KCNQ2-related conditions. This variant is not present in population databases (gnomAD no frequency).

NM_172107.4(KCNQ2):c.392T>C (p.Ile131Thr)

Gene: KCNQ2 (potassium voltage-gated channel subfamily Q member 2; minus strand). Cytogenetic location: 20q13.33.
Variant type: single nucleotide variant.
Coding change: c.392T>C on transcript NM_172107.4 (MANE Select); coding-DNA position 392, T replaced by C.
Protein change: p.Ile131Thr; replaces isoleucine 131 with threonine.
Molecular consequence: missense variant.
Genome position (GRCh38, 1-based): chr20:63,445,360, A>G on the plus strand (T>C on the coding strand, the complement: KCNQ2 is on the minus strand). VCF-style: chr20-63445360-A-G. GRCh37 (hg19) VCF-style: chr20-62076713-A-G.
Other names: c.392T>C, p.Ile131Thr (NM_001382235.1, NM_004518.6, NM_172106.3 and 2 more transcripts); short protein forms I131T.
Identifiers: ClinVar variation 1394566 (VCV001394566.9), dbSNP rs2145779784, ClinGen allele CA409655637.